The following is an entry in ClinVar:

ClinVar aggregate classification (germline): Uncertain significance (1 of 4 stars; one submission).

Conditions:
Juvenile polyposis syndrome (JPS). Identifiers: Orphanet 2929, MedGen C0345893, MONDO:0017380, OMIM 174900.

Submission:

Labcorp Genetics (formerly Invitae), Labcorp
Classification: Uncertain significance for Juvenile polyposis syndrome. Last evaluated: 2023-04-09. Review status: criteria provided, single submitter. Criteria: Invitae Variant Classification Sherloc (09022015). Collection method: clinical testing. Allele origin: germline.
Comment: This sequence change replaces aspartic acid, which is acidic and polar, with histidine, which is basic and polar, at codon 362 of the BMPR1A protein (p.Asp362His). This variant is not present in population databases (gnomAD no frequency). This variant has not been reported in the literature in individuals affected with BMPR1A-related conditions. Advanced modeling of protein sequence and biophysical properties (such as structural, functional, and spatial information, amino acid conservation, physicochemical variation, residue mobility, and thermodynamic stability) has been performed at Invitae for this missense variant, however the output from this modeling did not meet the statistical confidence thresholds required to predict the impact of this variant on BMPR1A protein function. In summary, the available evidence is currently insufficient to determine the role of this variant in disease. Therefore, it has been classified as a Variant of Uncertain Significance.

NM_004329.3(BMPR1A):c.1084G>C (p.Asp362His)

Gene: BMPR1A (bone morphogenetic protein receptor type 1A; plus strand). Cytogenetic location: 10q23.2.
Variant type: single nucleotide variant.
Coding change: c.1084G>C on transcript NM_004329.3 (MANE Select); coding-DNA position 1084, G replaced by C.
Protein change: p.Asp362His; replaces aspartic acid 362 with histidine.
Molecular consequence: missense variant. On other transcripts: non-coding transcript variant (3).
Genome position (GRCh38, 1-based): chr10:86,919,387, G>C. VCF-style: chr10-86919387-G-C. GRCh37 (hg19) VCF-style: chr10-88679144-G-C.
Other names: c.1159G>C, p.Asp387His (NM_001406559.1); c.1132G>C, p.Asp378His (NM_001406560.1); c.1084G>C, p.Asp362His (NM_001406561.1, NM_001406562.1, NM_001406563.1 and 19 more transcripts); c.1078G>C, p.Asp360His (NM_001406583.1); c.1000G>C, p.Asp334His (NM_001406584.1, NM_001406585.1, NM_001406586.1 and 2 more transcripts); c.742G>C, p.Asp248His (NM_001406589.1); short protein forms D362H, D334H, D360H, D248H, D378H, D387H.
Identifiers: ClinVar variation 2875306 (VCV002875306.3), dbSNP rs1564724297, ClinGen allele CA377460808.